The following is an entry in ClinVar:

NM_004448.4(ERBB2):c.2086C>A (p.Leu696Met)

Gene: ERBB2 (erb-b2 receptor tyrosine kinase 2; plus strand). Cytogenetic location: 17q12.
Variant type: single nucleotide variant.
Coding change: c.2086C>A on transcript NM_004448.4 (MANE Select); coding-DNA position 2086, C replaced by A.
Protein change: p.Leu696Met; replaces leucine 696 with methionine.
Molecular consequence: missense variant. On other transcripts: non-coding transcript variant (1), intron variant (2).
Genome position (GRCh38, 1-based): chr17:39,723,538, C>A. VCF-style: chr17-39723538-C-A. GRCh37 (hg19) VCF-style: chr17-37879791-C-A.
Other names: c.2107C>A, p.Leu703Met (NM_001382789.1); c.2083C>A, p.Leu695Met (NM_001382790.1); c.2077C>A, p.Leu693Met (NM_001382791.1); c.2086C>A, p.Leu696Met (NM_001382792.1, NM_001382793.1, NM_001382796.1 and 6 more transcripts); c.2038C>A, p.Leu680Met (NM_001382795.1, NM_001382801.1); c.2041C>A, p.Leu681Met (NM_001289936.2); c.1996C>A, p.Leu666Met (NM_001382782.1, NM_001382783.1, NM_001005862.3); c.2203C>A, p.Leu735Met (NM_001382784.1, NM_001382786.1); and 8 more; short protein forms L636M, L681M, L706M, L610M, L696M, L420M, L680M, L695M.
Identifiers: ClinVar variation 2980116 (VCV002980116.3), dbSNP rs2145811614, ClinGen allele CA399301569.

ClinVar aggregate classification (germline): Uncertain significance (1 of 4 stars; one submission).

Submission:

Labcorp Genetics (formerly Invitae), Labcorp
Classification: Uncertain significance. Last evaluated: 2023-12-01. Review status: criteria provided, single submitter. Criteria: Invitae Variant Classification Sherloc (09022015). Collection method: clinical testing. Allele origin: germline.
Comment: This sequence change replaces leucine, which is neutral and non-polar, with methionine, which is neutral and non-polar, at codon 696 of the ERBB2 protein (p.Leu696Met). This variant is not present in population databases (gnomAD no frequency). This variant has not been reported in the literature in individuals affected with ERBB2-related conditions. An algorithm developed to predict the effect of missense changes on protein structure and function (PolyPhen-2) suggests that this variant is likely to be disruptive. In summary, the available evidence is currently insufficient to determine the role of this variant in disease. Therefore, it has been classified as a Variant of Uncertain Significance.